The following is an entry in ClinVar:

NM_018077.3(RBM28):c.119-1360G>A

Gene: RBM28 (RNA binding motif protein 28; minus strand). Cytogenetic location: 7q32.1.
Variant type: single nucleotide variant.
Coding change: c.119-1360G>A on transcript NM_018077.3 (MANE Select); 1360 bases into the intron before coding-DNA position 119, G replaced by A.
Molecular consequence: intron variant.
Genome position (GRCh38, 1-based): chr7:128,341,151, C>T on the plus strand (G>A on the coding strand, the complement: RBM28 is on the minus strand). VCF-style: chr7-128341151-C-T. GRCh37 (hg19) VCF-style: chr7-127981205-C-T.
Other names: c.118+2525G>A (NM_001166135.2).
Identifiers: ClinVar variation 2657987 (VCV002657987.24), dbSNP rs73230660, ClinGen allele CA4470449.

ClinVar aggregate classification (germline): Likely benign (1 of 4 stars; one submission).

Allele frequency attached by ClinVar (database versions not stated): 1000 Genomes Project 0.00180; 1000 Genomes Project 30x 0.00187; gnomAD 0.00442; TOPMed 0.00502; gnomAD exomes 0.00557; ExAC 0.00773.

Submission:

CeGaT Center for Human Genetics Tuebingen
Classification: Likely benign. Last evaluated: 2023-03-01. Review status: criteria provided, single submitter. Criteria: CeGaT Center For Human Genetics Tuebingen Variant Classification Criteria Version 2. Collection method: clinical testing. Allele origin: germline. Affected: yes. Observed: 4 variant alleles.
Comment: RBM28: BS2